The following is an entry in ClinVar:

NM_000069.3(CACNA1S):c.2105C>T (p.Ala702Val)

Gene: CACNA1S (calcium voltage-gated channel subunit alpha1 S; minus strand). Cytogenetic location: 1q32.1.
Variant type: single nucleotide variant.
Coding change: c.2105C>T on transcript NM_000069.3 (MANE Select); coding-DNA position 2105, C replaced by T.
Protein change: p.Ala702Val; replaces alanine 702 with valine.
Molecular consequence: missense variant.
Genome position (GRCh38, 1-based): chr1:201,073,601, G>A on the plus strand (C>T on the coding strand, the complement: CACNA1S is on the minus strand). VCF-style: chr1-201073601-G-A. GRCh37 (hg19) VCF-style: chr1-201042729-G-A.
Other names: short protein forms A702V.
Identifiers: ClinVar variation 938694 (VCV000938694.1), dbSNP rs1661497048, ClinGen allele CA344113517.

ClinVar aggregate classification (germline): Uncertain significance (1 of 4 stars; one submission).

Conditions:
Hypokalemic periodic paralysis, type 1. Also called: HypoPP; Hypokalemic Periodic Paralysis Type 1 (AD). Identifiers: Orphanet 681, MedGen C3714580, MONDO:0042979, OMIM 170400.
Malignant hyperthermia, susceptibility to, 5 (MHS5). Also called: CACNA1S-Related Malignant Hyperthermia Susceptibility. Identifiers: Orphanet 423, MedGen C1866077, MONDO:0011163, OMIM 601887.

Submission:

Labcorp Genetics (formerly Invitae), Labcorp
Classification: Uncertain significance for Hypokalemic periodic paralysis 1; Malignant hyperthermia, susceptibility to, 5. Last evaluated: 2019-08-26. Review status: criteria provided, single submitter. Criteria: Invitae Variant Classification Sherloc (09022015). Collection method: clinical testing. Allele origin: germline.
Comment: This sequence change replaces alanine with valine at codon 702 of the CACNA1S protein (p.Ala702Val). The alanine residue is moderately conserved and there is a small physicochemical difference between alanine and valine. This variant is not present in population databases (ExAC no frequency). This variant has not been reported in the literature in individuals with CACNA1S-related conditions. Algorithms developed to predict the effect of missense changes on protein structure and function are either unavailable or do not agree on the potential impact of this missense change (SIFT: "Deleterious"; PolyPhen-2: "Benign"; Align-GVGD: "Class C0"). In summary, the available evidence is currently insufficient to determine the role of this variant in disease. Therefore, it has been classified as a Variant of Uncertain Significance.